The following is an entry in ClinVar:

NM_000784.4(CYP27A1):c.1541T>C (p.Ile514Thr)

Gene: CYP27A1 (cytochrome P450 family 27 subfamily A member 1; plus strand). Cytogenetic location: 2q35.
Variant type: single nucleotide variant.
Coding change: c.1541T>C on transcript NM_000784.4 (MANE Select); coding-DNA position 1541, T replaced by C.
Protein change: p.Ile514Thr; replaces isoleucine 514 with threonine.
Molecular consequence: missense variant.
Genome position (GRCh38, 1-based): chr2:218,814,975, T>C. VCF-style: chr2-218814975-T-C. GRCh37 (hg19) VCF-style: chr2-219679698-T-C.
Other names: c.1541T>C (NM_000784.3); short protein forms I514T.
Identifiers: ClinVar variation 1006412 (VCV001006412.10), dbSNP rs370013480, ClinGen allele CA2112940.

ClinVar aggregate classification (germline): Uncertain significance. Review status: criteria provided, multiple submitters, no conflicts (2 of 4 stars). 3 submissions from 3 submitters: Uncertain significance (2). 1 of the submissions does not count toward it. Last evaluated 2025-01-15.

Conditions:
Cholestanol storage disease (CTX). Also called: Cerebrotendinous Xanthomatosis; CEREBRAL CHOLESTERINOSIS; CTX: Cerebrotendinous xanthomatosis. Identifiers: Orphanet 909, MedGen C0238052, MONDO:0008948, OMIM 213700.
Cardiovascular phenotype. Identifiers: MedGen CN230736.

Allele frequency attached by ClinVar (database versions not stated): gnomAD 0.00001; gnomAD exomes 0.00001; ExAC 0.00002; TOPMed 0.00002; ESP Exome Variant Server 0.00008.
gnomAD v4.1: 13 of 1,614,076 alleles (0.00081%); highest among the groups gnomAD compares: Admixed American, 0.0033%; no homozygotes.

Submissions (3):

Labcorp Genetics (formerly Invitae), Labcorp
Classification: Uncertain significance for Cholestanol storage disease. Last evaluated: 2025-01-15. Review status: criteria provided, single submitter. Criteria: Invitae Variant Classification Sherloc (09022015). Collection method: clinical testing. Allele origin: germline.
Comment: This sequence change replaces isoleucine, which is neutral and non-polar, with threonine, which is neutral and polar, at codon 514 of the CYP27A1 protein (p.Ile514Thr). This variant is present in population databases (rs370013480, gnomAD 0.006%). This variant has not been reported in the literature in individuals affected with CYP27A1-related conditions. ClinVar contains an entry for this variant (Variation ID: 1006412). Invitae Evidence Modeling of protein sequence and biophysical properties (such as structural, functional, and spatial information, amino acid conservation, physicochemical variation, residue mobility, and thermodynamic stability) indicates that this missense variant is not expected to disrupt CYP27A1 protein function with a negative predictive value of 95%. In summary, the available evidence is currently insufficient to determine the role of this variant in disease. Therefore, it has been classified as a Variant of Uncertain Significance.

Ambry Genetics
Classification: Uncertain significance for Cardiovascular phenotype. Last evaluated: 2024-11-14. Review status: criteria provided, single submitter. Criteria: Ambry Variant Classification Scheme 2023. Collection method: clinical testing. Allele origin: germline.

Natera, Inc.
Classification: Uncertain significance for Cerebrotendinous xanthomatosis. Last evaluated: 2020-02-13. Review status: no assertion criteria provided. Collection method: clinical testing. Allele origin: germline. Not counted in ClinVar's aggregate classification.